The following is an entry in ClinVar:

NM_020708.5(SLC12A5):c.2907G>A (p.Glu969=)

Gene: SLC12A5 (solute carrier family 12 member 5; plus strand). Cytogenetic location: 20q13.12.
Variant type: single nucleotide variant.
Coding change: c.2907G>A on transcript NM_020708.5 (MANE Select); coding-DNA position 2907, G replaced by A.
Protein change: p.Glu969=; no amino-acid change (glutamic acid 969 retained).
Molecular consequence: synonymous variant.
Genome position (GRCh38, 1-based): chr20:46,056,269, G>A. VCF-style: chr20-46056269-G-A. GRCh37 (hg19) VCF-style: chr20-44684908-G-A.
Other names: c.2976G>A, p.Glu992= (NM_001134771.2).
Identifiers: ClinVar variation 2652363 (VCV002652363.27), dbSNP rs1457119433, ClinGen allele CA510754994.

ClinVar aggregate classification (germline): Likely benign. Review status: criteria provided, multiple submitters, no conflicts (2 of 4 stars). 2 submissions from 2 submitters: Likely benign (2). Last evaluated 2025-07-24.

Conditions:
Developmental and epileptic encephalopathy, 34 (DEE34). Also called: Early infantile epileptic encephalopathy 34; SLC12A5-Related Epilepsy of Infancy with Migrating Focal Seizures. Identifiers: Orphanet 293181, MedGen C4225257, MONDO:0014718, OMIM 616645.

Allele frequency attached by ClinVar (database versions not stated): gnomAD exomes below 0.00001; gnomAD 0.00001; TOPMed 0.00001.
gnomAD v4.1: 2 of 1,614,066 alleles (0.00012%); highest among the groups gnomAD compares: East Asian, 0.0045%; no homozygotes.

Submissions (2):

Labcorp Genetics (formerly Invitae), Labcorp
Classification: Likely benign for Developmental and epileptic encephalopathy, 34. Last evaluated: 2025-07-24. Review status: criteria provided, single submitter. Criteria: Invitae Variant Classification Sherloc (09022015). Collection method: clinical testing. Allele origin: germline.

CeGaT Center for Human Genetics Tuebingen
Classification: Likely benign. Last evaluated: 2023-08-01. Review status: criteria provided, single submitter. Criteria: CeGaT Center For Human Genetics Tuebingen Variant Classification Criteria Version 2. Collection method: clinical testing. Allele origin: germline. Affected: yes. Observed: 1 variant allele.
Comment: SLC12A5: BP4, BP7